The following is an entry in ClinVar:

ClinVar aggregate classification (germline): Benign/Likely benign. Review status: criteria provided, multiple submitters, no conflicts (2 of 4 stars). 6 submissions from 6 submitters: Benign (1); Likely benign (5). Last evaluated 2025-12-10.

Conditions:
Familial cancer of breast. Also called: hereditary breast carcinoma; BREAST CANCER, FAMILIAL; Hereditary breast cancer. Identifiers: Orphanet 227535, MedGen C0346153, MONDO:0016419, OMIM 114480. Disease mechanism: loss of function.
Hereditary cancer-predisposing syndrome. Also called: Tumor predisposition; Hereditary Cancer Syndrome; Hereditary neoplastic syndrome; Neoplastic Syndromes, Hereditary. Identifiers: Orphanet 140162, MedGen C0027672, MeSH D009386, MONDO:0015356.
Ataxia-telangiectasia syndrome (AT). Also called: Ataxia telangiectasia (A-T); LOUIS-BAR SYNDROME; Cerebello-oculocutaneous telangiectasia; Immunodeficiency with ataxia telangiectasia; ATAXIA-TELANGIECTASIA, COMPLEMENTATION GROUP A; ATAXIA-TELANGIECTASIA, FRESNO VARIANT. Identifiers: Orphanet 100, MedGen C0004135, MONDO:0008840, OMIM 208900.

Allele frequency attached by ClinVar (database versions not stated): gnomAD 0.00001; TOPMed 0.00002.

Submissions (6):

Labcorp Genetics (formerly Invitae), Labcorp
Classification: Likely benign for Ataxia-telangiectasia syndrome. Last evaluated: 2025-12-10. Review status: criteria provided, single submitter. Criteria: Invitae Variant Classification Sherloc (09022015). Collection method: clinical testing. Allele origin: germline.

Myriad Genetics, Inc.
Classification: Benign for Familial cancer of breast. Last evaluated: 2024-05-08. Review status: criteria provided, single submitter. Criteria: Myriad Autosomal Dominant, Autosomal Recessive and X-Linked Classification Criteria (2023). Collection method: clinical testing. Allele origin: unknown.
Comment: This variant is considered benign. This variant is a silent/synonymous amino acid change and it is not expected to impact splicing.

Women's Health and Genetics/Laboratory Corporation of America, LabCorp
Classification: Likely benign. Last evaluated: 2021-03-06. Review status: criteria provided, single submitter. Criteria: LabCorp Variant Classification Summary - May 2015. Collection method: clinical testing. Allele origin: germline.

Color Diagnostics, LLC DBA Color Health
Classification: Likely benign for Hereditary cancer-predisposing syndrome. Last evaluated: 2020-01-14. Review status: criteria provided, single submitter. Criteria: ACMG Guidelines, 2015. Collection method: clinical testing. Allele origin: germline.

GeneDx
Classification: Likely benign. Last evaluated: 2020-01-06. Review status: criteria provided, single submitter. Criteria: GeneDx Variant Classification Process June 2021. Collection method: clinical testing. Allele origin: germline. Affected: yes.

Ambry Genetics
Classification: Likely benign for Hereditary cancer-predisposing syndrome. Last evaluated: 2016-12-08. Review status: criteria provided, single submitter. Criteria: Ambry Variant Classification Scheme 2023. Collection method: clinical testing. Allele origin: germline.

NM_000051.4(ATM):c.2373C>T (p.Thr791=)

Gene: ATM (ATM serine/threonine kinase; plus strand). Cytogenetic location: 11q22.3.
Variant type: single nucleotide variant.
Coding change: c.2373C>T on transcript NM_000051.4 (MANE Select); coding-DNA position 2373, C replaced by T.
Protein change: p.Thr791=; no amino-acid change (threonine 791 retained).
Molecular consequence: synonymous variant.
Genome position (GRCh38, 1-based): chr11:108,257,603, C>T. VCF-style: chr11-108257603-C-T. GRCh37 (hg19) VCF-style: chr11-108128330-C-T.
Other names: c.2373C>T, p.Thr791= (NM_001351834.2).
Identifiers: ClinVar variation 236688 (VCV000236688.21), dbSNP rs878853494, ClinGen allele CA10582804.